The following is an entry in ClinVar:

NM_013254.4(TBK1):c.378A>G (p.Leu126=)

Gene: TBK1 (TANK binding kinase 1; plus strand). Cytogenetic location: 12q14.2.
Variant type: single nucleotide variant.
Coding change: c.378A>G on transcript NM_013254.4 (MANE Select); coding-DNA position 378, A replaced by G.
Protein change: p.Leu126=; no amino-acid change (leucine 126 retained).
Molecular consequence: synonymous variant.
Genome position (GRCh38, 1-based): chr12:64,466,920, A>G. VCF-style: chr12-64466920-A-G. GRCh37 (hg19) VCF-style: chr12-64860700-A-G.
Identifiers: ClinVar variation 705384 (VCV000705384.24), dbSNP rs144462850, ClinGen allele CA6668804.

ClinVar aggregate classification (germline): Likely benign. Review status: criteria provided, multiple submitters, no conflicts (2 of 4 stars). 3 submissions from 3 submitters: Likely benign (3). Last evaluated 2026-01-23.

Conditions:
Frontotemporal dementia and/or amyotrophic lateral sclerosis 4. Also called: FTDALS4. Identifiers: Orphanet 275872, MedGen C4225325, MONDO:0014641, OMIM 616439.

Allele frequency attached by ClinVar (database versions not stated): gnomAD exomes 0.00001 and 0.00005; ExAC 0.00008; gnomAD 0.00010 and 0.00011; TOPMed 0.00014; ESP Exome Variant Server 0.00015; 1000 Genomes Project 30x 0.00016; 1000 Genomes Project 0.00020.
gnomAD v4.1: 37 of 1,595,160 alleles (0.0023%); highest among the groups gnomAD compares: African/African-American, 0.023%; no homozygotes.

Submissions (3):

Women's Health and Genetics/Laboratory Corporation of America, LabCorp
Classification: Likely benign. Last evaluated: 2026-01-23. Review status: criteria provided, single submitter. Criteria: LabCorp Variant Classification Summary - May 2015. Collection method: clinical testing. Allele origin: germline.

Labcorp Genetics (formerly Invitae), Labcorp
Classification: Likely benign for Frontotemporal dementia and/or amyotrophic lateral sclerosis 4. Last evaluated: 2025-12-09. Review status: criteria provided, single submitter. Criteria: Invitae Variant Classification Sherloc (09022015). Collection method: clinical testing. Allele origin: germline.

CeGaT Center for Human Genetics Tuebingen
Classification: Likely benign. Last evaluated: 2024-10-01. Review status: criteria provided, single submitter. Criteria: CeGaT Center For Human Genetics Tuebingen Variant Classification Criteria Version 2. Collection method: clinical testing. Allele origin: germline. Affected: yes. Observed: 1 variant allele.
Comment: TBK1: BP4, BP7